The following is an entry in ClinVar:

NM_012213.3(MLYCD):c.1A>C (p.Met1Leu)

Genes: MLYCD (malonyl-CoA decarboxylase; plus strand), LOC130059554 (ATAC-STARR-seq lymphoblastoid silent region 7769; plus strand). Cytogenetic location: 16q23.3.
Variant type: single nucleotide variant.
Coding change: c.1A>C on transcript NM_012213.3 (MANE Select); coding-DNA position 1, A replaced by C.
Protein change: p.Met1Leu; changes the start codon (methionine 1).
Molecular consequence: missense variant, initiator codon variant.
Genome position (GRCh38, 1-based): chr16:83,899,145, A>C. VCF-style: chr16-83899145-A-C. GRCh37 (hg19) VCF-style: chr16-83932750-A-C.
Other names: short protein forms M1L.
Identifiers: ClinVar variation 2634044 (VCV002634044.4), dbSNP rs1179555424, ClinGen allele CA396917446.

ClinVar aggregate classification (germline): Pathogenic/Likely pathogenic. Review status: criteria provided, multiple submitters, no conflicts (2 of 4 stars). 2 submissions from 2 submitters: Pathogenic (1); Likely pathogenic (1). Last evaluated 2023-08-01.

Conditions:
MLYCD-related disorder. Also called: MLYCD-related condition.
Deficiency of malonyl-CoA decarboxylase. Also called: Malonic aciduria; MCD deficiency. Identifiers: Orphanet 943, MedGen C0342793, MONDO:0009556, OMIM 248360.

Submissions (2):

PreventionGenetics, part of Exact Sciences
Classification: Likely pathogenic for MLYCD-related condition. Last evaluated: 2023-08-01. Review status: criteria provided, single submitter. Criteria: ACMG Guidelines, 2015. Collection method: clinical testing. Allele origin: germline.
Comment: The MLYCD c.1A>C variant is predicted to disrupt the translation initiation site (Start loss). To our knowledge, this variant has not been reported in the literature or in a large population database, indicating this variant is rare. Other variants disrupting the ATG start codon in MLYCD have been reported to be causative for malonyl-CoA decarboxylase deficiency (c.2T>A in Polinati et al. 2015. PubMed ID: 24613099; c.1A>G in Lee et al. 2020. PubMed ID: 32602666 ). This variant is interpreted as likely pathogenic.

Labcorp Genetics (formerly Invitae), Labcorp
Classification: Pathogenic for Deficiency of malonyl-CoA decarboxylase. Last evaluated: 2022-12-26. Review status: criteria provided, single submitter. Criteria: Invitae Variant Classification Sherloc (09022015). Collection method: clinical testing. Allele origin: germline.
Comment: For these reasons, this variant has been classified as Pathogenic. This variant disrupts a region of the MLYCD protein in which other variant(s) (p.Gly3Asp) have been observed in individuals with MLYCD-related conditions (PMID: 12955715). This suggests that this is a clinically significant region of the protein, and that variants that disrupt it are likely to be disease-causing. Disruption of the initiator codon has been observed in individual(s) with biochemical features of MLYCD-related disorders (PMID: 32602666; Invitae). In at least one individual the data is consistent with being in trans (on the opposite chromosome) from a pathogenic variant. This variant is not present in population databases (gnomAD no frequency). This sequence change affects the initiator methionine of the MLYCD mRNA. The next in-frame methionine is located at codon 40.

Literature cited by the submitters: PubMed 12955715 (cited by Labcorp Genetics (formerly Invitae), Labcorp); PubMed 32602666 (cited by Labcorp Genetics (formerly Invitae), Labcorp).